The following is an entry in ClinVar:

NM_001040458.3(ERAP1):c.*157_*172dup

Gene: ERAP1 (endoplasmic reticulum aminopeptidase 1; minus strand). Cytogenetic location: 5q15.
Variant type: Duplication.
Coding change: c.*157_*172dup on transcript NM_001040458.3 (MANE Select); 157 bases downstream of the stop codon through 172 bases downstream of the stop codon, 16 bases duplicated (TTTTCATGAATGGGCT).
Molecular consequence: 3 prime UTR variant. On other transcripts: intron variant (2).
Genome position (GRCh38, 1-based): chr5:96,776,224-96,776,239, AGCCCATTCATGAAAA duplicated on the plus strand (TTTTCATGAATGGGCT on the coding strand, the reverse complement: ERAP1 is on the minus strand); duplicating any 16 consecutive bases within chr5:96,776,224-96,776,240 gives the same sequence; the c. name uses the placement nearest the transcript's 3' end. VCF-style (leftmost placement, unchanged base first): chr5-96776223-T-TAGCCCATTCATGAAAA. GRCh37 (hg19) VCF-style: chr5-96111927-T-TAGCCCATTCATGAAAA.
Other names: c.*157_*172dup (NM_001198541.3); c.2818+165_2818+180dup (NM_001349244.2, NM_016442.5).
Identifiers: ClinVar variation 2688469 (VCV002688469.2), dbSNP rs3832369, ClinGen allele CA3351780.
Genomic context (GRCh38, chr5:96,776,223, plus strand): 5'-CCAACACTTGGGTTTACGTTGCAGGGCAACACCTGTGATGAACAAAACACATGGTAGCGA[T>TAGCCCATTCATGAAAA]AGCCCATTCATGAAAAACTAACAGCTATTCTTTTCACAGGGATAGTCAAAAAATGAGTTG-3'

ClinVar aggregate classification (germline): Benign (1 of 4 stars; one submission).

Submission:

Unidad de Genómica Garrahan, Hospital de Pediatría Garrahan
Classification: Benign. Last evaluated: 2024-01-24. Review status: criteria provided, single submitter. Criteria: ACMG Guidelines, 2015. Collection method: clinical testing. Allele origin: germline. Affected: no. Observed: 24 variant alleles.
Comment: This variant is classified as Benign based on local population frequency. This variant was detected in 27% of patients studied by a panel of primary immunodeficiencies. Number of patients: 24. Only high quality variants are reported.